The following is an entry in ClinVar:

NM_000443.4(ABCB4):c.807C>T (p.Phe269=)

Gene: ABCB4 (ATP binding cassette subfamily B member 4; minus strand). Cytogenetic location: 7q21.12.
Variant type: single nucleotide variant.
Coding change: c.807C>T on transcript NM_000443.4 (MANE Select); coding-DNA position 807, C replaced by T.
Protein change: p.Phe269=; no amino-acid change (phenylalanine 269 retained).
Molecular consequence: synonymous variant.
Genome position (GRCh38, 1-based): chr7:87,449,994, G>A on the plus strand (C>T on the coding strand, the complement: ABCB4 is on the minus strand). VCF-style: chr7-87449994-G-A. GRCh37 (hg19) VCF-style: chr7-87079310-G-A.
Other names: c.807C>T, p.Phe269= (NM_018849.3, NM_018850.3).
Identifiers: ClinVar variation 514795 (VCV000514795.4), dbSNP rs1421517860, ClinGen allele CA456352033.
Genomic context (GRCh38, chr7:87,449,994, plus strand): 5'-TTCCTTAAACCAGTGGCTAAAGAACCTTCCTGACCTTTCCAGCTCTTTGTTCTGGCCCCC[G>A]AAAGCTATCACAGTCCTGATGGCCCCCAGAGCCTCTTCTGCCACGGCGCCTGCTTTTGCA-3'
Protein context (NP_000434.1, residues 259-279): ALGAIRTVIA[Phe269=]GGQNKELERY

ClinVar aggregate classification (germline): Likely benign. Review status: criteria provided, multiple submitters, no conflicts (2 of 4 stars). 2 submissions from 2 submitters: Likely benign (2). Last evaluated 2025-12-17.

Allele frequency attached by ClinVar (database versions not stated): gnomAD exomes below 0.00001 and 0.00001; gnomAD 0.00001; TOPMed 0.00001.

Submissions (2):

Labcorp Genetics (formerly Invitae), Labcorp
Classification: Likely benign. Last evaluated: 2025-12-17. Review status: criteria provided, single submitter. Criteria: Invitae Variant Classification Sherloc (09022015). Collection method: clinical testing. Allele origin: germline.

GeneDx
Classification: Likely benign. Last evaluated: 2018-01-23. Review status: criteria provided, single submitter. Criteria: GeneDx Variant Classification (06012015). Collection method: clinical testing. Allele origin: germline. Affected: yes.
Comment: This variant is considered likely benign or benign based on one or more of the following criteria: it is a conservative change, it occurs at a poorly conserved position in the protein, it is predicted to be benign by multiple in silico algorithms, and/or has population frequency not consistent with disease.